The following is an entry in ClinVar:

ClinVar aggregate classification (germline): Uncertain significance. Review status: criteria provided, multiple submitters, no conflicts (2 of 4 stars). 5 submissions from 5 submitters: Uncertain significance (4). 1 of the submissions does not count toward it. Last evaluated 2024-03-25.

Conditions:
Hereditary cancer-predisposing syndrome. Also called: Neoplastic Syndromes, Hereditary; Hereditary Cancer Syndrome; Hereditary neoplastic syndrome; Tumor predisposition. Identifiers: Orphanet 140162, MedGen C0027672, MeSH D009386, MONDO:0015356.
Microcephaly, normal intelligence and immunodeficiency (NBS). Also called: Immunodeficiency, microcephaly with normal intelligence; SEEMANOVA SYNDROME II; Nijmegen breakage syndrome; Microcephaly with normal intelligence immunodeficiency and lymphoreticular malignancies; Nonsyndromal microcephaly autosomal recessive with normal intelligence; Seemanova syndrome 2. Identifiers: Orphanet 647, MedGen C0398791, MONDO:0009623, OMIM 251260.

Allele frequency attached by ClinVar (database versions not stated): gnomAD 0.00001; gnomAD exomes 0.00001; ExAC 0.00002; TOPMed 0.00002.
gnomAD v4.1: 2 of 1,613,748 alleles (0.00012%); highest among the groups gnomAD compares: African/African-American, 0.0013%; no homozygotes.

Submissions (5):

Ambry Genetics
Classification: Uncertain significance for Hereditary cancer-predisposing syndrome. Last evaluated: 2024-03-25. Review status: criteria provided, single submitter. Criteria: Ambry Variant Classification Scheme 2023. Collection method: clinical testing. Allele origin: germline.
Comment: The p.E543G variant (also known as c.1628A>G), located in coding exon 11 of the NBN gene, results from an A to G substitution at nucleotide position 1628. The glutamic acid at codon 543 is replaced by glycine, an amino acid with similar properties. This amino acid position is well conserved in available vertebrate species. In addition, this alteration is predicted to be tolerated by in silico analysis. Since supporting evidence is limited at this time, the clinical significance of this alteration remains unclear.

Labcorp Genetics (formerly Invitae), Labcorp
Classification: Uncertain significance for Microcephaly, normal intelligence and immunodeficiency. Last evaluated: 2022-06-08. Review status: criteria provided, single submitter. Criteria: Invitae Variant Classification Sherloc (09022015). Collection method: clinical testing. Allele origin: germline.
Comment: This sequence change replaces glutamic acid, which is acidic and polar, with glycine, which is neutral and non-polar, at codon 543 of the NBN protein (p.Glu543Gly). This variant is present in population databases (rs587781624, gnomAD 0.007%). This variant has not been reported in the literature in individuals affected with NBN-related conditions. ClinVar contains an entry for this variant (Variation ID: 141278). Algorithms developed to predict the effect of missense changes on protein structure and function are either unavailable or do not agree on the potential impact of this missense change (SIFT: "Deleterious"; PolyPhen-2: "Benign"; Align-GVGD: "Class C0"). In summary, the available evidence is currently insufficient to determine the role of this variant in disease. Therefore, it has been classified as a Variant of Uncertain Significance.

Genome-Nilou Lab
Classification: Uncertain significance for Microcephaly, normal intelligence and immunodeficiency. Last evaluated: 2021-11-07. Review status: criteria provided, single submitter. Criteria: ACMG Guidelines, 2015. Collection method: clinical testing. Allele origin: germline. Affected: no.

Women's Health and Genetics/Laboratory Corporation of America, LabCorp
Classification: Uncertain significance. Last evaluated: 2020-11-27. Review status: criteria provided, single submitter. Criteria: LabCorp Variant Classification Summary - May 2015. Collection method: clinical testing. Allele origin: germline.
Comment: Variant summary: NBN c.1628A>G (p.Glu543Gly) results in a non-conservative amino acid change in the encoded protein sequence. Three of five in-silico tools predict a benign effect of the variant on protein function. The variant allele was found at a frequency of 8e-06 in 251158 control chromosomes (gnomAD). The available data on variant occurrences in the general population are insufficient to allow any conclusion about variant significance. To our knowledge, no occurrence of c.1628A>G in individuals affected with Nijmegen Breakage Syndrome and no experimental evidence demonstrating its impact on protein function have been reported. No clinical diagnostic laboratories have submitted clinical-significance assessments for this variant to ClinVar after 2014. Based on the evidence outlined above, the variant was classified as uncertain significance.

Natera, Inc.
Classification: Uncertain significance for Nijmegen breakage syndrome. Last evaluated: 2021-06-08. Review status: no assertion criteria provided. Collection method: clinical testing. Allele origin: germline. Not counted in ClinVar's aggregate classification.

NM_002485.5(NBN):c.1628A>G (p.Glu543Gly)

Gene: NBN (nibrin; minus strand). Cytogenetic location: 8q21.3.
Variant type: single nucleotide variant.
Coding change: c.1628A>G on transcript NM_002485.5 (MANE Select); coding-DNA position 1628, A replaced by G.
Protein change: p.Glu543Gly; replaces glutamic acid 543 with glycine.
Molecular consequence: missense variant.
Genome position (GRCh38, 1-based): chr8:89,953,461, T>C on the plus strand (A>G on the coding strand, the complement: NBN is on the minus strand). VCF-style: chr8-89953461-T-C. GRCh37 (hg19) VCF-style: chr8-90965689-T-C.
Other names: c.1382A>G, p.Glu461Gly (NM_001024688.3); short protein forms E543G, E461G.
Identifiers: ClinVar variation 141278 (VCV000141278.19), dbSNP rs587781624, ClinGen allele CA164976.